The following is an entry in ClinVar:

NM_021076.4(NEFH):c.1307T>C (p.Ile436Thr)

Gene: NEFH (neurofilament heavy chain; plus strand). Cytogenetic location: 22q12.2.
Variant type: single nucleotide variant.
Coding change: c.1307T>C on transcript NM_021076.4 (MANE Select); coding-DNA position 1307, T replaced by C.
Protein change: p.Ile436Thr; replaces isoleucine 436 with threonine.
Molecular consequence: missense variant.
Genome position (GRCh38, 1-based): chr22:29,488,947, T>C. VCF-style: chr22-29488947-T-C. GRCh37 (hg19) VCF-style: chr22-29884936-T-C.
Other names: short protein forms I436T.
Identifiers: ClinVar variation 1952324 (VCV001952324.5), dbSNP rs2517976474, ClinGen allele CA411129030.

ClinVar aggregate classification (germline): Uncertain significance (1 of 4 stars; one submission).

Submission:

Labcorp Genetics (formerly Invitae), Labcorp
Classification: Uncertain significance. Last evaluated: 2022-10-17. Review status: criteria provided, single submitter. Criteria: Invitae Variant Classification Sherloc (09022015). Collection method: clinical testing. Allele origin: germline.
Comment: In summary, the available evidence is currently insufficient to determine the role of this variant in disease. Therefore, it has been classified as a Variant of Uncertain Significance. Advanced modeling of protein sequence and biophysical properties (such as structural, functional, and spatial information, amino acid conservation, physicochemical variation, residue mobility, and thermodynamic stability) performed at Invitae indicates that this missense variant is not expected to disrupt NEFH protein function. This variant has not been reported in the literature in individuals affected with NEFH-related conditions. This variant is not present in population databases (gnomAD no frequency). This sequence change replaces isoleucine, which is neutral and non-polar, with threonine, which is neutral and polar, at codon 436 of the NEFH protein (p.Ile436Thr).